The following is an entry in ClinVar:

NM_201384.3(PLEC):c.12668G>A (p.Arg4223His)

Gene: PLEC (plectin; minus strand). Cytogenetic location: 8q24.3.
Variant type: single nucleotide variant.
Coding change: c.12668G>A on transcript NM_201384.3 (MANE Select); coding-DNA position 12668, G replaced by A.
Protein change: p.Arg4223His; replaces arginine 4223 with histidine.
Molecular consequence: missense variant.
Genome position (GRCh38, 1-based): chr8:143,917,153, C>T on the plus strand (G>A on the coding strand, the complement: PLEC is on the minus strand). VCF-style: chr8-143917153-C-T. GRCh37 (hg19) VCF-style: chr8-144991321-C-T.
Other names: c.12749G>A, p.Arg4250His (NM_000445.5); c.9368G>A, p.Arg3123His (NM_001410941.1); c.12626G>A, p.Arg4209His (NM_201378.4); c.12602G>A, p.Arg4201His (NM_201379.3); c.13079G>A, p.Arg4360His (NM_201380.4); c.12572G>A, p.Arg4191His (NM_201381.3); c.12668G>A, p.Arg4223His (NM_201382.4); c.12680G>A, p.Arg4227His (NM_201383.3); short protein forms R4223H, R3123H, R4209H, R4227H, R4250H, R4191H, R4201H, R4360H.
Identifiers: ClinVar variation 2159987 (VCV002159987.7), dbSNP rs782484926, ClinGen allele CA4924022.

ClinVar aggregate classification (germline): Uncertain significance. Review status: criteria provided, multiple submitters, no conflicts (2 of 4 stars). 2 submissions from 2 submitters: Uncertain significance (2). Last evaluated 2025-03-17.

Conditions:
Epidermolysis bullosa simplex with nail dystrophy (EBS5D). Identifiers: MedGen C4225309, MONDO:0014661, OMIM 616487.
Epidermolysis bullosa simplex 5B, with muscular dystrophy (EBS5B). Also called: EPIDERMOLYSIS BULLOSA SIMPLEX AND LIMB-GIRDLE MUSCULAR DYSTROPHY; Epidermolysis bullosa simplex with muscular dystrophy. Identifiers: Orphanet 257, MedGen C2931072, MONDO:0009181, OMIM 226670.
Epidermolysis bullosa simplex, Ogna type (EBS5A). Also called: Pidermolysis bullosa simplex 5A, Ogna type; EPIDERMOLYSIS BULLOSA SIMPLEX 5A, OGNA TYPE. Identifiers: Orphanet 79401, MedGen C0432317, MONDO:0007555, OMIM 131950.
Autosomal recessive limb-girdle muscular dystrophy type 2Q (LGMDR17). Also called: MUSCULAR DYSTROPHY, LIMB-GIRDLE, AUTOSOMAL RECESSIVE 17. Identifiers: Orphanet 254361, MedGen C3150989, MONDO:0013390, OMIM 613723.
Epidermolysis bullosa simplex 5C, with pyloric atresia (EBS5C). Also called: Epidermolysis bullosa simplex with pyloric atresia; PLEC-Related Epidermolysis Bullosa with Pyloric Atresia; PLEC1-Related Epidermolysis Bullosa with Pyloric Atresia. Identifiers: Orphanet 158684, MedGen C2677349, MONDO:0012807, OMIM 612138.

Allele frequency attached by ClinVar (database versions not stated): TOPMed below 0.00001; gnomAD 0.00001; gnomAD exomes 0.00001; ExAC 0.00002.
gnomAD v4.1: 8 of 1,607,320 alleles (0.0005%); highest among the groups gnomAD compares: South Asian, 0.0022%; no homozygotes.

Submissions (2):

Labcorp Genetics (formerly Invitae), Labcorp
Classification: Uncertain significance for Autosomal recessive limb-girdle muscular dystrophy type 2Q; Epidermolysis bullosa simplex, Ogna type; Epidermolysis bullosa simplex with nail dystrophy; Epidermolysis bullosa simplex 5C, with pyloric atresia; Epidermolysis bullosa simplex 5B, with muscular dystrophy. Last evaluated: 2025-03-17. Review status: criteria provided, single submitter. Criteria: Invitae Variant Classification Sherloc (09022015). Collection method: clinical testing. Allele origin: germline.
Comment: This sequence change replaces arginine, which is basic and polar, with histidine, which is basic and polar, at codon 4250 of the PLEC protein (p.Arg4250His). This variant is present in population databases (rs782484926, gnomAD 0.003%). This variant has not been reported in the literature in individuals affected with PLEC-related conditions. ClinVar contains an entry for this variant (Variation ID: 2159987). Invitae Evidence Modeling of protein sequence and biophysical properties (such as structural, functional, and spatial information, amino acid conservation, physicochemical variation, residue mobility, and thermodynamic stability) has been performed for this missense variant. However, the output from this modeling did not meet the statistical confidence thresholds required to predict the impact of this variant on PLEC protein function. In summary, the available evidence is currently insufficient to determine the role of this variant in disease. Therefore, it has been classified as a Variant of Uncertain Significance.

Revvity Omics, Revvity
Classification: Uncertain significance. Last evaluated: 2019-05-17. Review status: criteria provided, single submitter. Criteria: ACMG Guidelines, 2015. Collection method: clinical testing. Allele origin: germline.